The following is an entry in ClinVar:

NM_001099922.3(ALG13):c.207A>C (p.Glu69Asp)

Gene: ALG13 (ALG13 UDP-N-acetylglucosaminyltransferase subunit; plus strand). Cytogenetic location: Xq23.
Variant type: single nucleotide variant.
Coding change: c.207A>C on transcript NM_001099922.3 (MANE Select); coding-DNA position 207, A replaced by C.
Protein change: p.Glu69Asp; replaces glutamic acid 69 with aspartic acid.
Molecular consequence: missense variant. On other transcripts: 5 prime UTR variant (9), non-coding transcript variant (3), intron variant (3).
Genome position (GRCh38, 1-based): chrX:111,682,257, A>C. VCF-style: chrX-111682257-A-C. GRCh37 (hg19) VCF-style: chrX-110925485-A-C.
Other names: c.207A>C, p.Glu69Asp (NM_001168385.3, NM_001324290.2, NM_001324292.2 and 1 more transcripts); c.-106A>C (NM_001257230.2, NM_001257234.2, NM_001257235.3 and 6 more transcripts); c.10+22A>C (NM_001257231.2, NM_001257241.3); c.185+22A>C (NM_001039210.5); short protein forms E69D.
Identifiers: ClinVar variation 1055204 (VCV001055204.14), dbSNP rs745826764, ClinGen allele CA10493460.

ClinVar aggregate classification (germline): Conflicting classifications of pathogenicity. Review status: criteria provided, conflicting classifications (1 of 4 stars). 2 submissions from 2 submitters: Uncertain significance (1); Likely benign (1). Last evaluated 2026-05-01.

Conditions:
Developmental and epileptic encephalopathy, 36 (DEE36). Also called: Epileptic encephalopathy, early infantile, 36; ALG13-CDG; Congenital disorder of glycosylation, type Is. Identifiers: Orphanet 324422, MedGen C4317295, MONDO:0010472, OMIM 300884.

Allele frequency attached by ClinVar (database versions not stated): gnomAD exomes below 0.00001 and 0.00002; ExAC 0.00001; gnomAD 0.00001; TOPMed 0.00003.
gnomAD v4.1: 5 of 1,193,437 alleles (0.00042%); highest among the groups gnomAD compares: African/African-American, 0.0053%; no homozygotes.

Submissions (2):

CeGaT Center for Human Genetics Tuebingen
Classification: Likely benign. Last evaluated: 2026-05-01. Review status: criteria provided, single submitter. Criteria: CeGaT Center For Human Genetics Tuebingen Variant Classification Criteria Version 2. Collection method: clinical testing. Allele origin: germline. Affected: yes. Observed: 1 variant allele.
Comment: ALG13: BP4, BS2

Labcorp Genetics (formerly Invitae), Labcorp
Classification: Uncertain significance for Developmental and epileptic encephalopathy, 36. Last evaluated: 2022-08-09. Review status: criteria provided, single submitter. Criteria: Invitae Variant Classification Sherloc (09022015). Collection method: clinical testing. Allele origin: germline.
Comment: This sequence change replaces glutamic acid, which is acidic and polar, with aspartic acid, which is acidic and polar, at codon 69 of the ALG13 protein (p.Glu69Asp). This variant is present in population databases (rs745826764, gnomAD 0.03%). This variant has not been reported in the literature in individuals affected with ALG13-related conditions. ClinVar contains an entry for this variant (Variation ID: 1055204). Algorithms developed to predict the effect of missense changes on protein structure and function output the following: SIFT: "Deleterious"; PolyPhen-2: "Possibly Damaging"; Align-GVGD: "Class C0". The aspartic acid amino acid residue is found in multiple mammalian species, which suggests that this missense change does not adversely affect protein function. In summary, the available evidence is currently insufficient to determine the role of this variant in disease. Therefore, it has been classified as a Variant of Uncertain Significance.